The following is an entry in ClinVar:

NM_000393.5(COL5A2):c.3511C>G (p.Pro1171Ala)

Gene: COL5A2 (collagen type V alpha 2 chain; minus strand). Cytogenetic location: 2q32.2.
Variant type: single nucleotide variant.
Coding change: c.3511C>G on transcript NM_000393.5 (MANE Select); coding-DNA position 3511, C replaced by G.
Protein change: p.Pro1171Ala; replaces proline 1171 with alanine.
Molecular consequence: missense variant.
Genome position (GRCh38, 1-based): chr2:189,042,734, G>C on the plus strand (C>G on the coding strand, the complement: COL5A2 is on the minus strand). VCF-style: chr2-189042734-G-C. GRCh37 (hg19) VCF-style: chr2-189907460-G-C.
Other names: short protein forms P1171A.
Identifiers: ClinVar variation 4735516 (VCV004735516.1).
Genomic context (GRCh38, chr2:189,042,734, plus strand): 5'-AGGCATTATTATTTACACCTGCAACTTACTACTTTTTGTTACTTACTCTTGGGCCAAATG[G>C]TCCAGGGATTCCAGCACTTCCTTGTTCACCATTTGGACCCTAAGTAGGAATACAATAAAA-3'
Protein context (NP_000384.2, residues 1161-1181): GEQGSAGIPG[Pro1171Ala]FGPRGPPGPV

ClinVar aggregate classification (germline): Uncertain significance (1 of 4 stars; one submission).

Conditions:
Ehlers-Danlos syndrome, classic type, 1 (EDSCL1). Also called: EHLERS-DANLOS SYNDROME, GRAVIS TYPE; EHLERS-DANLOS SYNDROME, SEVERE CLASSIC TYPE; Ehlers-Danlos syndrome, type 1; Ehlers-Danlos Syndrome, Classic Type, COL5A1-Related; EDS I. Identifiers: MedGen C0268335, MONDO:0019567, OMIM 130000.

gnomAD v4.1: 1 of 1,608,000 alleles (0.000062%); highest among the groups gnomAD compares: Non-Finnish European, 0.000085%; no homozygotes.

Submission:

Labcorp Genetics (formerly Invitae), Labcorp
Classification: Uncertain significance for Ehlers-Danlos syndrome, classic type, 1. Last evaluated: 2025-11-25. Review status: criteria provided, single submitter. Criteria: Invitae Variant Classification Sherloc (09022015). Collection method: clinical testing. Allele origin: germline.
Comment: This sequence change replaces proline, which is neutral and non-polar, with alanine, which is neutral and non-polar, at codon 1171 of the COL5A2 protein (p.Pro1171Ala). This variant is not present in population databases (gnomAD no frequency). This variant has not been reported in the literature in individuals affected with COL5A2-related conditions. Invitae Evidence Modeling of protein sequence and biophysical properties (such as structural, functional, and spatial information, amino acid conservation, physicochemical variation, residue mobility, and thermodynamic stability) indicates that this missense variant is not expected to disrupt COL5A2 protein function with a negative predictive value of 80%. In summary, the available evidence is currently insufficient to determine the role of this variant in disease. Therefore, it has been classified as a Variant of Uncertain Significance.